The following is an entry in ClinVar:

ClinVar aggregate classification (germline): Benign. Review status: criteria provided, multiple submitters, no conflicts (2 of 4 stars). 3 submissions from 3 submitters: Benign (3). Last evaluated 2026-01-26.

Conditions:
Lethal polymalformative syndrome, Boissel type. Also called: GROWTH RETARDATION, DEVELOPMENTAL DELAY, AND FACIAL DYSMORPHISM. Identifiers: Orphanet 210144, MedGen C2752001, MONDO:0013050, OMIM 612938.

Allele frequency attached by ClinVar (database versions not stated): gnomAD exomes 0.00065 and 0.00174; ExAC 0.00226; gnomAD 0.00647 and 0.00691; 1000 Genomes Project 30x 0.00656; 1000 Genomes Project 0.00679; TOPMed 0.00746; ESP Exome Variant Server 0.00754.
gnomAD v4.1: 1,993 of 1,613,970 alleles (0.12%); highest among the groups gnomAD compares: African/African-American, 2.2%; 28 homozygotes.

Submissions (3):

Labcorp Genetics (formerly Invitae), Labcorp
Classification: Benign. Last evaluated: 2026-01-26. Review status: criteria provided, single submitter. Criteria: Invitae Variant Classification Sherloc (09022015). Collection method: clinical testing. Allele origin: germline.

Illumina Laboratory Services, Illumina
Classification: Benign for Lethal polymalformative syndrome, Boissel type. Last evaluated: 2018-01-13. Review status: criteria provided, single submitter. Criteria: ICSL Variant Classification Criteria 13 December 2019. Collection method: clinical testing. Allele origin: germline.
Comment: This variant was observed in the ICSL laboratory as part of a predisposition screen in an ostensibly healthy population. It had not been previously curated by ICSL or reported in the Human Gene Mutation Database (HGMD: prior to June 1st, 2018), and was therefore a candidate for classification through an automated scoring system. Utilizing variant allele frequency, disease prevalence and penetrance estimates, and inheritance mode, an automated score was calculated to assess if this variant is too frequent to cause the disease. Based on the score and internal cut-off values, a variant classified as benign is not then subjected to further curation. The score for this variant resulted in a classification of benign for this disease.

Breakthrough Genomics
Classification: Benign. Review status: criteria provided, single submitter. Criteria: ACMG Guidelines, 2015. Collection method: not provided. Allele origin: germline. Inheritance: Autosomal recessive inheritance. Affected: yes.

NM_001080432.3(FTO):c.1002T>C (p.Ile334=)

Gene: FTO (FTO alpha-ketoglutarate dependent dioxygenase; plus strand). Cytogenetic location: 16q12.2.
Variant type: single nucleotide variant.
Coding change: c.1002T>C on transcript NM_001080432.3 (MANE Select); coding-DNA position 1002, T replaced by C.
Protein change: p.Ile334=; no amino-acid change (isoleucine 334 retained).
Molecular consequence: synonymous variant. On other transcripts: intron variant (2).
Genome position (GRCh38, 1-based): chr16:53,879,870, T>C. VCF-style: chr16-53879870-T-C. GRCh37 (hg19) VCF-style: chr16-53913782-T-C.
Other names: c.1032T>C, p.Ile344= (NM_001363891.2); c.1002T>C, p.Ile334= (NM_001363894.2, NM_001363896.2, NM_001363903.2 and 4 more transcripts); c.924T>C, p.Ile308= (NM_001363897.2); c.888T>C, p.Ile296= (NM_001363899.2); c.858T>C, p.Ile286= (NM_001363901.2); c.489T>C, p.Ile163= (NM_001363905.2); c.1005+6005T>C (NM_001363898.2); c.975+6005T>C (NM_001363900.2).
Identifiers: ClinVar variation 773057 (VCV000773057.14), dbSNP rs148109727, ClinGen allele CA8058502.